The following is an entry in ClinVar:

ClinVar aggregate classification (germline): Uncertain significance. Review status: criteria provided, multiple submitters, no conflicts (2 of 4 stars). 10 submissions from 10 submitters: Uncertain significance (8). 2 of the submissions do not count toward it. Last evaluated 2025-12-21.

Conditions:
Cardiovascular phenotype. Identifiers: MedGen CN230736.
Familial long QT syndrome (RWS). Also called: Congenital long QT syndrome; VENTRICULAR FIBRILLATION WITH PROLONGED QT INTERVAL; Romano-Ward syndrome. Identifiers: Orphanet 768, MedGen C1141890, MONDO:0019171.
Long QT syndrome 5 (LQT5). Identifiers: Orphanet 101016, Orphanet 768, MedGen C1867904, MONDO:0013372, OMIM 613695.
Jervell and Lange-Nielsen syndrome 2 (JLNS2). Identifiers: Orphanet 768, Orphanet 90647, MedGen C2676723, MONDO:0012871, OMIM 612347.
Long QT syndrome (LQTS). Identifiers: MedGen C0023976, MeSH D008133, MONDO:0002442. Disease mechanism: loss of function. Inheritance: Various modes of inheritance.

Allele frequency attached by ClinVar (database versions not stated): ESP Exome Variant Server 0.00008; gnomAD 0.00010 and 0.00011; gnomAD exomes 0.00010.
gnomAD v4.1: 90 of 888,654 alleles (0.01%); highest among the groups gnomAD compares: South Asian, 0.025%; 7 homozygotes.

Submissions (11):

Labcorp Genetics (formerly Invitae), Labcorp
Classification: Uncertain significance for Long QT syndrome. Last evaluated: 2025-12-21. Review status: criteria provided, single submitter. Criteria: Invitae Variant Classification Sherloc (09022015). Collection method: clinical testing. Allele origin: germline.
Comment: This sequence change replaces alanine, which is neutral and non-polar, with valine, which is neutral and non-polar, at codon 8 of the KCNE1 protein (p.Ala8Val). This variant is present in population databases (rs199473348, gnomAD 0.06%). This missense change has been observed in individual(s) with long QT syndrome or clinical suspicion of long QT syndrome (PMID: 17341399, 19716085, 31521807, 31535183, 34403091). ClinVar contains an entry for this variant (Variation ID: 132670). Invitae Evidence Modeling of protein sequence and biophysical properties (such as structural, functional, and spatial information, amino acid conservation, physicochemical variation, residue mobility, and thermodynamic stability) indicates that this missense variant is not expected to disrupt KCNE1 protein function with a negative predictive value of 95%. Experimental studies have shown that this missense change affects KCNE1 function (PMID: 17341399, 18776039, 24400172). In summary, the available evidence is currently insufficient to determine the role of this variant in disease. Therefore, it has been classified as a Variant of Uncertain Significance.

Ambry Genetics
Classification: Uncertain significance for Cardiovascular phenotype. Last evaluated: 2025-09-25. Review status: criteria provided, single submitter. Criteria: Ambry Variant Classification Scheme 2023. Collection method: clinical testing. Allele origin: germline.

Molecular Diagnostic Laboratory for Inherited Cardiovascular Disease, Montreal Heart Institute
Classification: Uncertain significance for Cardiovascular phenotype. Last evaluated: 2025-04-09. Review status: criteria provided, single submitter. Criteria: ACMG Guidelines, 2015. Collection method: clinical testing. Allele origin: germline. Affected: yes.

Women's Health and Genetics/Laboratory Corporation of America, LabCorp
Classification: Uncertain significance. Last evaluated: 2025-01-13. Review status: criteria provided, single submitter. Criteria: LabCorp Variant Classification Summary - May 2015. Collection method: clinical testing. Allele origin: germline.
Comment: Variant summary: KCNE1 c.23C>T (p.Ala8Val) results in a non-conservative amino acid change in the encoded protein sequence. Four of five in-silico tools predict a benign effect of the variant on protein function. The variant allele was found at a frequency of 0.00011 in 251512 control chromosomes, predominantly at a frequency of 0.00049 within the East Asian subpopulation in the gnomAD database. c.23C>T has been reported in the literature in multiple individuals affected with arrhythmia (e.g. Ohno_2007, Sale_2008, Kapplinger_2009, Fedida_2017, Bennett_2019, Li_2019), including three individuals from one family in which the variant segregated with a Long QT Syndrome (LQTS) phenotype (Li_2019). These data indicate that the variant may be associated with disease. At least four publications report experimental evidence evaluating the functional effects of the variant and suggest it may alter channel kinetics or cell surface expression, however the biological consequences of these findings are not clear (e.g. Ohno_2007, Sale, 2008, Du_2013, Muhammad_2024). The following publications have been ascertained in the context of this evaluation (PMID: 31535183, 31521807, 30461122, 30123799, 28988457, 28767663, 26926294, 26715165, 26410412, 25650408, 24400172, 20541041, 19862833, 19716085, 19695459, 18776039, 17341399, 38816749). ClinVar contains an entry for this variant (Variation ID: 132670). Based on the evidence outlined above, the variant was classified as VUS-possibly pathogenic.

Fulgent Genetics
Classification: Uncertain significance for Jervell and Lange-Nielsen syndrome 2; Long QT syndrome 5. Last evaluated: 2021-11-15. Review status: criteria provided, single submitter. Criteria: ACMG Guidelines, 2015. Collection method: clinical testing. Allele origin: unknown.

Laboratory for Molecular Medicine, Mass General Brigham Personalized Medicine
Classification: Uncertain significance. Last evaluated: 2018-08-09. Review status: criteria provided, single submitter. Criteria: LMM Criteria. Collection method: clinical testing. Allele origin: germline. Observed: 1 variant allele.
Comment: The p.Ala8Val variant in KCNE1 has been reported in the heterozygous state in on e individual with paroxysmal atrial fibrillation and sick sinus syndrome and one individual with Long QT syndrome (Ohno 2007, Sale 2008, Kapplinger 2009). This variant has been identified in 11/18860 East Asian chromosomes by the Genome Agg regation Database (gnomAD) and is reported in ClinVar (Variation ID: 132670). In vitro functional studies provide some eviden ce that the p.Ala8Val variant may impact protein function (Ohno 2007, Sale 2008, Du 2013). However, these types of assays may not accurately represent biologica l function. Alanine (Ala) at position 8 is not conserved in mammals or evolution arily distant species and 4 mammals carry a Valine (Val) at this position, raisi ng the possibility that this change may be tolerated. Additional computational p rediction tools suggest that the p.Ala8Val variant may not impact the protein, t hough this information is not predictive enough to rule out pathogenicity. In su mmary, the clinical significance of the p.Ala8Val variant is uncertain. ACMG/AMP Criteria applied: PS3_Supporting, PS4_Supporting, BP4_Strong.

SIB Swiss Institute of Bioinformatics
Classification: Uncertain significance for Long QT syndrome 5. Last evaluated: 2018-05-31. Review status: criteria provided, single submitter. Criteria: ACMG Guidelines, 2015. Collection method: curation. Allele origin: unknown.
Comment: This variant is interpreted as a Uncertain Significance - Conflicting Evidence, for Long QT syndrome 5, in Autosomal Dominant manner. The following ACMG Tag(s) were applied: BS1 => Allele frequency is greater than expected for disorder. PS3-Moderate => PS3 downgraded in strength to Moderate (PMID:18776039).

CSER _CC_NCGL, University of Washington
Classification: Uncertain significance for Long QT syndrome. Last evaluated: 2014-06-01. Review status: criteria provided, single submitter. Criteria: Amendola et al. (Genome Res. 2015). Collection method: research. Allele origin: germline. Inheritance: Autosomal dominant inheritance. Study: ESP 6500 variant annotation.
Comment: Low GERP score may suggest that this variant may belong in a lower pathogenicity class

Variants classified for the Actionable exomic incidental findings in 6503 participants: challenges of variant classification manuscript

Department of Cardiovascular Research and Genetics, Lankenau Institute for Medical Research, Main Line Health
Classification: Likely risk allele for Familial long QT syndrome. Last evaluated: 2026-03-31. Review status: no assertion criteria provided. Collection method: research, in vitro. Allele origin: germline, not applicable. Affected: no. Functional consequence: Decrease in peak current. Not counted in ClinVar's aggregate classification.
Comment: Current guidelines lead to "uncertain significance" classificiation of this allele (ClinVar accession VCV000132670.23). Nonntheless, compilation of different studies in the literature suggest the potential of the KCNE1/MinK-A8V variant to induce a LQTS phenotype under specific enviromental conditions. These studies have found this variant in: 1) isolated cases of individuals presenting arrhytmias, 2) clear co-segregation of the variant along with a LQTS phenotype, 3) a drug-induce LQTS phenotype and 4) healthy individual (present study/submission). Additionally, there is functional evidence of altered cellular mechanisms that may influence a proper potassium current, when expressing this variant in an homozygous state.The publication associated to the present submission also adds the finding of possible structural deleterius changes in the potassium channel upon this mutation (using a AlphaFold3 protein modelling approach), contribuiting to the loss of stability of the pore complex. Overall, we believe there is enough evidence supporting the KCNE1/MinK-A8V homozygous variant as a likely risk allele, expanding its current VUS classification.

Cardiovascular Biomedical Research Unit, Royal Brompton & Harefield NHS Foundation Trust
No classification provided. Condition: Familial long QT syndrome. Review status: no classification provided. Collection method: literature only. Allele origin: germline. Not counted in ClinVar's aggregate classification.
Comment: This variant has been reported as associated with Long QT syndrome in the following publications (PMID:17341399;PMID:19716085). This is a literature report, and does not necessarily reflect the clinical interpretation of the Imperial College / Royal Brompton Cardiovascular Genetics laboratory.

Roden Lab, Vanderbilt University Medical Center
No classification provided (evidence only). Condition: Long QT syndrome 5. Review status: no classification provided. Collection method: in vitro. Allele origin: not applicable. Functional consequence: Effect on ion channel function. Not counted in ClinVar's aggregate classification.
ClinVar note: "not provided" was previously submitted as the classification for the variant. However, the classification appeared to be based only on an observation of functional data so it was converted to no classification on 2025-07-30.

Literature cited by the submitters: PubMed 17341399 (cited by 5 submitters); PubMed 19716085 (cited by 4 submitters); PubMed 31521807 (cited by 3 submitters); PubMed 31535183 (cited by Labcorp Genetics (formerly Invitae), Labcorp and Women's Health and Genetics/Laboratory Corporation of America, LabCorp); PubMed 34403091 (cited by Labcorp Genetics (formerly Invitae), Labcorp); PubMed 18776039 (cited by 4 submitters); PubMed 24400172 (cited by 3 submitters); PubMed 19695459 (cited by Women's Health and Genetics/Laboratory Corporation of America, LabCorp); PubMed 25650408 (cited by Women's Health and Genetics/Laboratory Corporation of America, LabCorp and Laboratory for Molecular Medicine, Mass General Brigham Personalized Medicine); PubMed 19862833 (cited by Women's Health and Genetics/Laboratory Corporation of America, LabCorp); PubMed 26715165 (cited by Women's Health and Genetics/Laboratory Corporation of America, LabCorp and Department of Cardiovascular Research and Genetics, Lankenau Institute for Medical Research, Main Line Health); PubMed 26410412 (cited by Women's Health and Genetics/Laboratory Corporation of America, LabCorp); PubMed 28767663 (cited by Women's Health and Genetics/Laboratory Corporation of America, LabCorp); PubMed 26926294 (cited by Women's Health and Genetics/Laboratory Corporation of America, LabCorp); PubMed 30461122 (cited by Women's Health and Genetics/Laboratory Corporation of America, LabCorp); PubMed 20541041 (cited by Women's Health and Genetics/Laboratory Corporation of America, LabCorp); PubMed 28988457 (cited by Women's Health and Genetics/Laboratory Corporation of America, LabCorp); PubMed 30123799 (cited by Women's Health and Genetics/Laboratory Corporation of America, LabCorp); PubMed 38816749 (cited by Women's Health and Genetics/Laboratory Corporation of America, LabCorp and Department of Cardiovascular Research and Genetics, Lankenau Institute for Medical Research, Main Line Health); PubMed 41200805 (cited by Department of Cardiovascular Research and Genetics, Lankenau Institute for Medical Research, Main Line Health); PubMed 22581653 (cited by Cardiovascular Biomedical Research Unit, Royal Brompton & Harefield NHS Foundation Trust).

NM_000219.6(KCNE1):c.23C>T (p.Ala8Val)

Gene: KCNE1 (potassium voltage-gated channel subfamily E regulatory subunit 1; minus strand). Cytogenetic location: 21q22.12.
Variant type: single nucleotide variant.
Coding change: c.23C>T on transcript NM_000219.6 (MANE Select); coding-DNA position 23, C replaced by T.
Protein change: p.Ala8Val; replaces alanine 8 with valine.
Molecular consequence: missense variant.
Genome position (GRCh38, 1-based): chr21:34,449,612, G>A on the plus strand (C>T on the coding strand, the complement: KCNE1 is on the minus strand). VCF-style: chr21-34449612-G-A. GRCh37 (hg19) VCF-style: chr21-35821910-G-A.
Other names: NM_000219.5(KCNE1):c.23C>T(p.Ala8Val); NM_001127668.3(KCNE1):c.23C>T(p.Ala8Val); NM_001127669.3(KCNE1):c.23C>T(p.Ala8Val); NM_001127670.3(KCNE1):c.23C>T(p.Ala8Val); NM_001270402.2(KCNE1):c.23C>T(p.Ala8Val); NM_001270403.2(KCNE1):c.23C>T(p.Ala8Val); NM_001270404.2(KCNE1):c.23C>T(p.Ala8Val); NM_001270405.2(KCNE1):c.23C>T(p.Ala8Val); and 2 more; short protein forms A8V.
Identifiers: ClinVar variation 132670 (VCV000132670.24), dbSNP rs199473348, ClinGen allele CA211446.